The following is an entry in ClinVar:

NM_033305.3(VPS13A):c.1396_1397insAAATCAGAAAGAAG (p.Leu466fs)

Gene: VPS13A (vacuolar protein sorting 13 homolog A; plus strand). Cytogenetic location: 9q21.2.
Variant type: Insertion.
Coding change: c.1396_1397insAAATCAGAAAGAAG on transcript NM_033305.3 (MANE Select); coding-DNA positions 1396 to 1397, AAATCAGAAAGAAG inserted.
Protein change: p.Leu466fs; shifts the reading frame from leucine 466.
Molecular consequence: frameshift variant.
Genome position: GRCh38 VCF-style: chr9-77227429-C-CAAATCAGAAAGAAG. GRCh37 (hg19) VCF-style: chr9-79842345-C-CAAATCAGAAAGAAG.
Other names: c.1396_1397insAAATCAGAAAGAAG, p.Leu466fs (NM_001018037.2, NM_001018038.3, NM_015186.4); short protein forms L466fs.
Identifiers: ClinVar variation 5010682 (VCV005010682.1).

ClinVar aggregate classification (germline): Pathogenic (1 of 4 stars; one submission).

Conditions:
VPS13A-related neurodegenerative disease. Also called: ACANTHOCYTOSIS WITH NEUROLOGIC DISORDER; LEVINE-CRITCHLEY SYNDROME; Choreoacanthocytosis; Chorea-acanthocytosis; Choreaacanthocytosis; VPS13A Disease. Identifiers: Orphanet 2388, MedGen C0393576, MONDO:0008695, OMIM 200150.

Submission:

Myriad Genetics, Inc.
Classification: Pathogenic for VPS13A-related neurodegenerative disease. Last evaluated: 2024-05-14. Review status: criteria provided, single submitter. Criteria: Myriad Autosomal Dominant, Autosomal Recessive and X-Linked Classification Criteria (2023). Collection method: clinical testing. Allele origin: unknown.
Comment: NM_033305.2(VPS13A):c.1396_1397ins14(L466Qfs*22) is expected to be pathogenic in the context of VPS13A disease. This variant is predicted to lead to an abnormal or absent protein product due to the creation of a premature termination codon in VPS13A, a gene where loss-of-function variants are known to be pathogenic. Please note: this variant was assessed in the context of healthy population screening.